The following is an entry in ClinVar:

ClinVar aggregate classification (germline): Pathogenic (1 of 4 stars; one submission).

Conditions:
Mitochondrial hypertrophic cardiomyopathy with lactic acidosis due to MTO1 deficiency. Also called: Combined oxidative phosphorylation deficiency 10; CARDIOMYOPATHY, INFANTILE HYPERTROPHIC MITOCHONDRIAL, AND LACTIC ACIDOSIS. Identifiers: Orphanet 314637, MedGen C4749921, MONDO:0013865, OMIM 614702.

Submission:

Labcorp Genetics (formerly Invitae), Labcorp
Classification: Pathogenic for Mitochondrial hypertrophic cardiomyopathy with lactic acidosis due to MTO1 deficiency. Last evaluated: 2022-07-29. Review status: criteria provided, single submitter. Criteria: Invitae Variant Classification Sherloc (09022015). Collection method: clinical testing. Allele origin: germline.
Comment: For these reasons, this variant has been classified as Pathogenic. This variant has not been reported in the literature in individuals affected with MTO1-related conditions. This variant is a gross deletion of the genomic region encompassing exon(s) 4 of the MTO1 gene. This deletion is out-of-frame, and is expected to create a premature termination codon and result in an absent or disrupted protein product. Loss-of-function variants in MTO1 are known to be pathogenic (PMID: 22608499, 25058219).

Literature cited by the submitters: PubMed 22608499; PubMed 25058219.

NC_000006.11:g.(?_74183068)_(74183397_?)del

Gene: MTO1 (mitochondrial tRNA translation optimization 1; plus strand). Cytogenetic location: 6q13.
Variant type: Deletion.
Identifiers: ClinVar variation 2425760 (VCV002425760.4).